The following is an entry in ClinVar:

NM_002069.6(GNAI1):c.-2C>T

Gene: GNAI1 (G protein subunit alpha i1; plus strand). Cytogenetic location: 7q21.11.
Variant type: single nucleotide variant.
Coding change: c.-2C>T on transcript NM_002069.6 (MANE Select); 2 bases upstream of the start codon, C replaced by T.
Molecular consequence: 5 prime UTR variant.
Genome position (GRCh38, 1-based): chr7:80,135,159, C>T. VCF-style: chr7-80135159-C-T. GRCh37 (hg19) VCF-style: chr7-79764475-C-T.
Identifiers: ClinVar variation 3251626 (VCV003251626.1), dbSNP rs375137700.

ClinVar aggregate classification (germline): Uncertain significance (1 of 4 stars; one submission).

Allele frequency attached by ClinVar (database versions not stated): gnomAD exomes below 0.00001; ExAC 0.00001; gnomAD 0.00001; TOPMed 0.00001; ESP Exome Variant Server 0.00008.
gnomAD v4.1: 6 of 1,518,430 alleles (0.0004%); highest among the groups gnomAD compares: Admixed American, 0.004%; no homozygotes.

Submission:

Women's Health and Genetics/Laboratory Corporation of America, LabCorp
Classification: Uncertain significance. Last evaluated: 2024-04-01. Review status: criteria provided, single submitter. Criteria: LabCorp Variant Classification Summary - May 2015. Collection method: clinical testing. Allele origin: germline.
Comment: Variant summary: GNAI1 c.-2C>T is located in the untranslated mRNA region upstream of the initiation codon. The variant allele was found at a frequency of 1.1e-05 in 174632 control chromosomes. The available data on variant occurrences in the general population are insufficient to allow any conclusion about variant significance. To our knowledge, no occurrence of c.-2C>T in individuals affected with Neurodevelopmental Disorder With Hypotonia, Impaired Speech, And Behavioral Abnormalities and no experimental evidence demonstrating its impact on protein function have been reported. No submitters have cited clinical-significance assessments for this variant to ClinVar. Based on the evidence outlined above, the variant was classified as uncertain significance.